The following is an entry in ClinVar:

NM_006258.4(PRKG1):c.1315C>T (p.Leu439=)

Gene: PRKG1 (protein kinase cGMP-dependent 1; plus strand). Cytogenetic location: 10q21.1.
Variant type: single nucleotide variant.
Coding change: c.1315C>T on transcript NM_006258.4 (MANE Select); coding-DNA position 1315, C replaced by T.
Protein change: p.Leu439=; no amino-acid change (leucine 439 retained).
Molecular consequence: synonymous variant.
Genome position (GRCh38, 1-based): chr10:52,272,393, C>T. VCF-style: chr10-52272393-C-T. GRCh37 (hg19) VCF-style: chr10-54032153-C-T.
Other names: c.1270C>T, p.Leu424= (LRG_1135t2, NM_001098512.3); c.1315C>T, p.Leu439= (LRG_1135t1).
Identifiers: ClinVar variation 520127 (VCV000520127.17), dbSNP rs142314590, ClinGen allele CA5503831.
Genomic context (GRCh38, chr10:52,272,393, plus strand): 5'-GCACACTTGTAAAAGACAGTAATGTTTATAATCTTTGTTTTCTTGTTTGCAATTTACAGA[C>T]TGTACAGAACATTTAAGGACAGCAAATATTTGTATATGTTGATGGAAGCTTGTCTAGGTG-3'
Protein context (NP_006249.1, residues 429-449): QGAHSDFIVR[Leu439=]YRTFKDSKYL

ClinVar aggregate classification (germline): Benign/Likely benign. Review status: criteria provided, multiple submitters, no conflicts (2 of 4 stars). 3 submissions from 3 submitters: Benign (1); Likely benign (2). Last evaluated 2025-11-21.

Conditions:
Familial thoracic aortic aneurysm and aortic dissection (TAAD). Also called: Thoracic aortic aneurysms and dissections. Identifiers: Orphanet 91387, MedGen C4707243, MONDO:0019625.
Aortic aneurysm, familial thoracic 8 (AAT8). Identifiers: MedGen C3809513, MONDO:0014187, OMIM 615436.

Allele frequency attached by ClinVar (database versions not stated): gnomAD 0.00002 and 0.00005; gnomAD exomes 0.00003 and 0.00004; TOPMed 0.00004; ExAC 0.00007; 1000 Genomes Project 30x 0.00016; 1000 Genomes Project 0.00020.
gnomAD v4.1: 65 of 1,595,844 alleles (0.0041%); highest among the groups gnomAD compares: Middle Eastern, 0.17%; no homozygotes.

Submissions (3):

Labcorp Genetics (formerly Invitae), Labcorp
Classification: Likely benign for Aortic aneurysm, familial thoracic 8. Last evaluated: 2025-11-21. Review status: criteria provided, single submitter. Criteria: Invitae Variant Classification Sherloc (09022015). Collection method: clinical testing. Allele origin: germline.

Women's Health and Genetics/Laboratory Corporation of America, LabCorp
Classification: Benign. Last evaluated: 2024-04-01. Review status: criteria provided, single submitter. Criteria: LabCorp Variant Classification Summary - May 2015. Collection method: clinical testing. Allele origin: germline.
Comment: Variant summary: PRKG1 c.1315C>T (p.Leu439Leu) alters a conserved nucleotide located close to a canonical splice site and therefore could affect mRNA splicing, leading to a significantly altered protein sequence. Consensus agreement among computation tools predict no significant impact on normal splicing. However, these predictions have yet to be confirmed by functional studies. The variant allele was found at a frequency of 4.1e-05 in 245894 control chromosomes. The observed variant frequency is approximately 3 fold of the estimated maximal expected allele frequency for a pathogenic variant in PRKG1 causing Thoracic Aortic Aneurysms And Dissections phenotype (1.3e-05), strongly suggesting that the variant is benign. To our knowledge, no occurrence of c.1315C>T in individuals affected with Thoracic Aortic Aneurysms And Dissections and no experimental evidence demonstrating its impact on protein function have been reported. ClinVar contains an entry for this variant (Variation ID: 520127). Based on the evidence outlined above, the variant was classified as benign.

Ambry Genetics
Classification: Likely benign for Familial thoracic aortic aneurysm and aortic dissection. Last evaluated: 2017-03-09. Review status: criteria provided, single submitter. Criteria: Ambry Variant Classification Scheme 2023. Collection method: clinical testing. Allele origin: germline.